The following is an entry in ClinVar:

ClinVar aggregate classification (germline): Uncertain significance (1 of 4 stars; one submission).

Submission:

Labcorp Genetics (formerly Invitae), Labcorp
Classification: Uncertain significance. Last evaluated: 2024-10-23. Review status: criteria provided, single submitter. Criteria: Invitae Variant Classification Sherloc (09022015). Collection method: clinical testing. Allele origin: germline.
Comment: This sequence change replaces threonine with alanine at codon 167 of the ZSWIM6 protein (p.Thr167Ala). The threonine residue is weakly conserved and there is a small physicochemical difference between threonine and alanine. The frequency data for this variant in the population databases is considered unreliable, as metrics indicate insufficient coverage at this position in the gnomAD database. This variant has not been reported in the literature in individuals affected with ZSWIM6-related conditions. ClinVar contains an entry for this variant (Variation ID: 1409297). Experimental studies and prediction algorithms are not available or were not evaluated, and the functional significance of this variant is currently unknown. In summary, the available evidence is currently insufficient to determine the role of this variant in disease. Therefore, it has been classified as a Variant of Uncertain Significance.

NM_020928.2(ZSWIM6):c.498_499delinsTG (p.Thr167Ala)

Gene: ZSWIM6 (zinc finger SWIM-type containing 6; plus strand). Cytogenetic location: 5q12.1.
Variant type: Indel.
Coding change: c.498_499delinsTG on transcript NM_020928.2 (MANE Select); coding-DNA positions 498 to 499, AA replaced by TG.
Protein change: p.Thr167Ala; replaces threonine 167 with alanine.
Molecular consequence: missense variant.
Genome position (GRCh38, 1-based): chr5:61,332,770-61,332,771, AA replaced by TG. VCF-style: chr5-61332770-AA-TG. GRCh37 (hg19) VCF-style: chr5-60628597-AA-TG.
Other names: short protein forms T167A.
Identifiers: ClinVar variation 1409297 (VCV001409297.6), dbSNP rs2112013491, ClinGen allele CA2573139764.